The following is an entry in ClinVar:

NM_001354604.2(MITF):c.718G>A (p.Glu240Lys)

Gene: MITF (melanocyte inducing transcription factor; plus strand). Cytogenetic location: 3p13.
Variant type: single nucleotide variant.
Coding change: c.718G>A on transcript NM_001354604.2 (MANE Select); coding-DNA position 718, G replaced by A.
Protein change: p.Glu240Lys; replaces glutamic acid 240 with lysine.
Molecular consequence: missense variant.
Genome position (GRCh38, 1-based): chr3:69,941,287, G>A. VCF-style: chr3-69941287-G-A. GRCh37 (hg19) VCF-style: chr3-69990438-G-A.
Other names: c.397G>A, p.Glu133Lys (NM_000248.4, NM_198158.3); c.562G>A, p.Glu188Lys (NM_001184967.2, NM_001354608.2); c.715G>A, p.Glu239Lys (NM_001354605.2, NM_001354606.2, NM_006722.3); c.667G>A, p.Glu223Lys (NM_001354607.2); c.718G>A, p.Glu240Lys (NM_198159.3); c.670G>A, p.Glu224Lys (NM_198177.3); c.229G>A, p.Glu77Lys (NM_198178.3); short protein forms E133K, E77K, E239K, E240K, E224K, E188K, E223K.
Identifiers: ClinVar variation 4791909 (VCV004791909.1).

ClinVar aggregate classification (germline): Uncertain significance (1 of 4 stars; one submission).

Conditions:
Melanoma, cutaneous malignant, susceptibility to, 8. Also called: MELANOMA AND RENAL CELL CARCINOMA, SUSCEPTIBILITY TO; Cutaneous malignant melanoma 8. Identifiers: Orphanet 293822, MedGen C3152204, MONDO:0013759, OMIM 614456.
Tietz syndrome (TADS). Also called: ALBINISM-DEAFNESS OF TIETZ; HYPOPIGMENTATION/DEAFNESS OF TIETZ; TIETZ ALBINISM-DEAFNESS SYNDROME. Identifiers: Orphanet 42665, MedGen C0391816, MONDO:0007077, OMIM 103500.
Waardenburg syndrome type 2A (WS2A). Also called: WAARDENBURG SYNDROME WITHOUT DYSTOPIA CANTHORUM. Identifiers: Orphanet 3440, MedGen C1860339, MONDO:0008671, OMIM 193510.

gnomAD v4.1: 1 of 1,613,312 alleles (0.000062%); highest among the groups gnomAD compares: South Asian, 0.0011%; no homozygotes.

Submission:

Labcorp Genetics (formerly Invitae), Labcorp
Classification: Uncertain significance for Melanoma, cutaneous malignant, susceptibility to, 8; Waardenburg syndrome type 2A; Tietz syndrome. Last evaluated: 2025-09-24. Review status: criteria provided, single submitter. Criteria: Invitae Variant Classification Sherloc (09022015). Collection method: clinical testing. Allele origin: germline.
Comment: This sequence change replaces glutamic acid, which is acidic and polar, with lysine, which is basic and polar, at codon 133 of the MITF protein (p.Glu133Lys). This variant is not present in population databases (gnomAD no frequency). This variant has not been reported in the literature in individuals affected with MITF-related conditions. Invitae Evidence Modeling of protein sequence and biophysical properties (such as structural, functional, and spatial information, amino acid conservation, physicochemical variation, residue mobility, and thermodynamic stability) indicates that this missense variant is not expected to disrupt MITF protein function with a negative predictive value of 80%. In summary, the available evidence is currently insufficient to determine the role of this variant in disease. Therefore, it has been classified as a Variant of Uncertain Significance.